The following is an entry in ClinVar:

NM_000660.7(TGFB1):c.32T>A (p.Leu11Gln)

Gene: TGFB1 (transforming growth factor beta 1; minus strand). Cytogenetic location: 19q13.2.
Variant type: single nucleotide variant.
Coding change: c.32T>A on transcript NM_000660.7 (MANE Select); coding-DNA position 32, T replaced by A.
Protein change: p.Leu11Gln; replaces leucine 11 with glutamine.
Molecular consequence: missense variant.
Genome position (GRCh38, 1-based): chr19:41,353,013, A>T on the plus strand (T>A on the coding strand, the complement: TGFB1 is on the minus strand). VCF-style: chr19-41353013-A-T. GRCh37 (hg19) VCF-style: chr19-41858918-A-T.
Other names: c.32T>A (NM_000660.4); short protein forms L11Q.
Identifiers: ClinVar variation 1417381 (VCV001417381.10), dbSNP rs867906741, ClinGen allele CA308518779.
Genomic context (GRCh38, chr19:41,353,013, plus strand): 5'-GATAGTCCCGCGGCCGGCCGGCCAGGCGTCAGCACCAGTAGCCACAGCAGCGGTAGCAGC[A>T]GCGGCAGCAGCCGCAGCCCGGAGGGCGGCATGGGGGAGGCGGCGCCCCCCGGCACTGCCG-3'
Protein context (NP_000651.3, residues 1-21): MPPSGLRLLP[Leu11Gln]LLPLLWLLVL

ClinVar aggregate classification (germline): Conflicting classifications of pathogenicity. Review status: criteria provided, conflicting classifications (1 of 4 stars). 5 submissions from 5 submitters: Uncertain significance (4); Likely benign (1). Last evaluated 2025-12-08.

Conditions:
Inflammatory bowel disease, immunodeficiency, and encephalopathy. Identifiers: Orphanet 565788, MedGen C4748708, MONDO:0032601, OMIM 618213.
Inborn genetic diseases. Identifiers: MedGen C0950123, MeSH D030342.
Cystic fibrosis (CF). Also called: MUCOVISCIDOSIS. Identifiers: Orphanet 586, MedGen C0010674, MONDO:0009061, OMIM 219700. Disease mechanism: loss of function.
Diaphyseal dysplasia. Also called: Camurati-Engelmann Disease; ENGELMANN DISEASE; PROGRESSIVE DIAPHYSEAL DYSPLASIA. Identifiers: Orphanet 1328, MedGen C0011989, MONDO:0007542, HP:0100252.

Allele frequency attached by ClinVar (database versions not stated): gnomAD exomes 0.00002 and 0.00004; gnomAD 0.00003; TOPMed 0.00003.
gnomAD v4.1: 64 of 1,517,152 alleles (0.0042%); highest among the groups gnomAD compares: Middle Eastern, 0.27%; no homozygotes.

Submissions (5):

Labcorp Genetics (formerly Invitae), Labcorp
Classification: Uncertain significance. Last evaluated: 2025-12-08. Review status: criteria provided, single submitter. Criteria: Invitae Variant Classification Sherloc (09022015). Collection method: clinical testing. Allele origin: germline.
Comment: This sequence change replaces leucine, which is neutral and non-polar, with glutamine, which is neutral and polar, at codon 11 of the TGFB1 protein (p.Leu11Gln). The frequency data for this variant in the population databases is considered unreliable, as metrics indicate poor data quality at this position in the gnomAD database. This variant has not been reported in the literature in individuals affected with TGFB1-related conditions. ClinVar contains an entry for this variant (Variation ID: 1417381). Experimental studies and prediction algorithms are not available or were not evaluated, and the functional significance of this variant is currently unknown. In summary, the available evidence is currently insufficient to determine the role of this variant in disease. Therefore, it has been classified as a Variant of Uncertain Significance.

Blueprint Genetics
Classification: Likely benign. Last evaluated: 2024-06-14. Review status: criteria provided, single submitter. Criteria: ACMG Guidelines, 2015. Collection method: clinical testing. Allele origin: germline.

Baylor Genetics
Classification: Uncertain significance for Inflammatory bowel disease, immunodeficiency, and encephalopathy. Last evaluated: 2024-03-23. Review status: criteria provided, single submitter. Criteria: ACMG Guidelines, 2015. Collection method: clinical testing. Allele origin: unknown.

Ambry Genetics
Classification: Uncertain significance for Inborn genetic diseases. Last evaluated: 2024-02-14. Review status: criteria provided, single submitter. Criteria: Ambry Variant Classification Scheme 2023. Collection method: clinical testing. Allele origin: germline.

Fulgent Genetics
Classification: Uncertain significance for Camurati-Engelmann disease type 1; Cystic fibrosis; Inflammatory bowel disease, immunodeficiency, and encephalopathy. Last evaluated: 2021-10-11. Review status: criteria provided, single submitter. Criteria: ACMG Guidelines, 2015. Collection method: clinical testing. Allele origin: unknown.